The following is an entry in ClinVar:

NM_004563.4(PCK2):c.664+1G>T

Genes: NRL (neural retina leucine zipper; minus strand), PCK2 (phosphoenolpyruvate carboxykinase 2, mitochondrial; plus strand). Cytogenetic location: 14q11.2.
Variant type: single nucleotide variant.
Coding change: c.664+1G>T on transcript NM_004563.4 (MANE Select); the canonical splice donor site of the intron after coding-DNA position 664, G replaced by T.
Molecular consequence: splice donor variant. On other transcripts: intron variant (3).
Genome position (GRCh38, 1-based): chr14:24,098,679, G>T. VCF-style: chr14-24098679-G-T. GRCh37 (hg19) VCF-style: chr14-24567888-G-T.
Other names: c.-27-15804C>A (NM_001354768.3, NM_001354770.2); c.-253-13934C>A (NM_006177.5); c.262+1G>T (NM_001308054.2, NM_001291556.2); c.664+1G>T (NM_001018073.3).
Identifiers: ClinVar variation 4692273 (VCV004692273.1).

ClinVar aggregate classification (germline): Uncertain significance (1 of 4 stars; one submission).

gnomAD v4.1: 1 of 1,612,660 alleles (0.000062%); highest among the groups gnomAD compares: Non-Finnish European, 0.000085%; no homozygotes.

Submission:

Labcorp Genetics (formerly Invitae), Labcorp
Classification: Uncertain significance. Last evaluated: 2025-04-09. Review status: criteria provided, single submitter. Criteria: Invitae Variant Classification Sherloc (09022015). Collection method: clinical testing. Allele origin: germline.
Comment: This sequence change affects a donor splice site in intron 4 of the PCK2 gene. It is expected to disrupt RNA splicing. Variants that disrupt the donor or acceptor splice site typically lead to a loss of protein function (PMID: 16199547), however the current clinical and genetic evidence is not sufficient to establish whether loss-of-function variants in PCK2 cause disease. This variant is not present in population databases (gnomAD no frequency). This variant has not been reported in the literature in individuals affected with PCK2-related conditions. Algorithms developed to predict the effect of sequence changes on RNA splicing suggest that this variant may disrupt the consensus splice site. In summary, the available evidence is currently insufficient to determine the role of this variant in disease. Therefore, it has been classified as a Variant of Uncertain Significance.

Literature cited by the submitters: PubMed 16199547.